The following is an entry in ClinVar:

NM_005027.4(PIK3R2):c.458C>T (p.Pro153Leu)

Gene: PIK3R2 (phosphoinositide-3-kinase regulatory subunit 2; plus strand). Cytogenetic location: 19p13.11.
Variant type: single nucleotide variant.
Coding change: c.458C>T on transcript NM_005027.4 (MANE Select); coding-DNA position 458, C replaced by T.
Protein change: p.Pro153Leu; replaces proline 153 with leucine.
Molecular consequence: missense variant. On other transcripts: non-coding transcript variant (2).
Genome position (GRCh38, 1-based): chr19:18,160,961, C>T. VCF-style: chr19-18160961-C-T. GRCh37 (hg19) VCF-style: chr19-18271771-C-T.
Other names: short protein forms P153L.
Identifiers: ClinVar variation 4796854 (VCV004796854.1).

ClinVar aggregate classification (germline): Uncertain significance (1 of 4 stars; one submission).

Conditions:
Megalencephaly-polymicrogyria-postaxial polydactyly-hydrocephalus syndrome. Also called: MPPH Syndrome; MEG-PMG-MEGACC SYNDROME. Identifiers: Orphanet 83473, MedGen C1863924, MONDO:0019375.

gnomAD v4.1: 10 of 1,612,366 alleles (0.00062%); highest among the groups gnomAD compares: African/African-American, 0.012%; no homozygotes.

Submission:

Labcorp Genetics (formerly Invitae), Labcorp
Classification: Uncertain significance for Megalencephaly-polymicrogyria-postaxial polydactyly-hydrocephalus syndrome. Last evaluated: 2025-11-06. Review status: criteria provided, single submitter. Criteria: Invitae Variant Classification Sherloc (09022015). Collection method: clinical testing. Allele origin: germline.
Comment: This sequence change replaces proline, which is neutral and non-polar, with leucine, which is neutral and non-polar, at codon 153 of the PIK3R2 protein (p.Pro153Leu). This variant is present in population databases (rs770445875, gnomAD 0.01%). This variant has not been reported in the literature in individuals affected with PIK3R2-related conditions. Invitae Evidence Modeling of protein sequence and biophysical properties (such as structural, functional, and spatial information, amino acid conservation, physicochemical variation, residue mobility, and thermodynamic stability) indicates that this missense variant is not expected to disrupt PIK3R2 protein function with a negative predictive value of 95%. In summary, the available evidence is currently insufficient to determine the role of this variant in disease. Therefore, it has been classified as a Variant of Uncertain Significance.